The following is an entry in ClinVar:

NM_003321.5(TUFM):c.1126C>T (p.His376Tyr)

Gene: TUFM (Tu translation elongation factor, mitochondrial; minus strand). Cytogenetic location: 16p11.2.
Variant type: single nucleotide variant.
Coding change: c.1126C>T on transcript NM_003321.5 (MANE Select); coding-DNA position 1126, C replaced by T.
Protein change: p.His376Tyr; replaces histidine 376 with tyrosine.
Molecular consequence: missense variant.
Genome position (GRCh38, 1-based): chr16:28,843,804, G>A on the plus strand (C>T on the coding strand, the complement: TUFM is on the minus strand). VCF-style: chr16-28843804-G-A. GRCh37 (hg19) VCF-style: chr16-28855125-G-A.
Other names: c.1042C>T, p.His348Tyr (NM_001365360.2); short protein forms H348Y, H376Y.
Identifiers: ClinVar variation 2413661 (VCV002413661.6), dbSNP rs1260784433, ClinGen allele CA395413747.

ClinVar aggregate classification (germline): Uncertain significance (1 of 4 stars; one submission).

Allele frequency attached by ClinVar (database versions not stated): gnomAD exomes below 0.00001; gnomAD 0.00001; TOPMed 0.00002.
gnomAD v4.1: 2 of 1,614,028 alleles (0.00012%); highest among the groups gnomAD compares: Admixed American, 0.0017%; no homozygotes.

Submission:

Labcorp Genetics (formerly Invitae), Labcorp
Classification: Uncertain significance. Last evaluated: 2022-07-06. Review status: criteria provided, single submitter. Criteria: Invitae Variant Classification Sherloc (09022015). Collection method: clinical testing. Allele origin: germline.
Comment: This sequence change replaces histidine, which is basic and polar, with tyrosine, which is neutral and polar, at codon 376 of the TUFM protein (p.His376Tyr). This variant has not been reported in the literature in individuals affected with TUFM-related conditions. Algorithms developed to predict the effect of missense changes on protein structure and function (SIFT, PolyPhen-2, Align-GVGD) all suggest that this variant is likely to be tolerated. In summary, the available evidence is currently insufficient to determine the role of this variant in disease. Therefore, it has been classified as a Variant of Uncertain Significance. This variant is not present in population databases (gnomAD no frequency).